The following is an entry in ClinVar:

ClinVar aggregate classification (germline): Uncertain significance (1 of 4 stars; one submission).

Allele frequency attached by ClinVar (database versions not stated): gnomAD exomes below 0.00001; ExAC 0.00001.
gnomAD v4.1: 3 of 1,614,052 alleles (0.00019%); highest among the groups gnomAD compares: Admixed American, 0.0017%; no homozygotes.

Submission:

Labcorp Genetics (formerly Invitae), Labcorp
Classification: Uncertain significance. Last evaluated: 2024-10-08. Review status: criteria provided, single submitter. Criteria: Invitae Variant Classification Sherloc (09022015). Collection method: clinical testing. Allele origin: germline.
Comment: This sequence change falls in intron 3 of the CFI gene. It does not directly change the encoded amino acid sequence of the CFI protein. It affects a nucleotide within the consensus splice site. This variant is present in population databases (rs755992770, gnomAD 0.003%). This variant has not been reported in the literature in individuals affected with CFI-related conditions. ClinVar contains an entry for this variant (Variation ID: 1448173). Variants that disrupt the consensus splice site are a relatively common cause of aberrant splicing (PMID: 17576681, 9536098). Algorithms developed to predict the effect of sequence changes on RNA splicing suggest that this variant may disrupt the consensus splice site. In summary, the available evidence is currently insufficient to determine the role of this variant in disease. Therefore, it has been classified as a Variant of Uncertain Significance.

Literature cited by the submitters: PubMed 17576681; PubMed 9536098.

NM_000204.5(CFI):c.482+5G>A

Gene: CFI (complement factor I; minus strand). Cytogenetic location: 4q25.
Variant type: single nucleotide variant.
Coding change: c.482+5G>A on transcript NM_000204.5 (MANE Select); 5 bases into the intron after coding-DNA position 482, G replaced by A.
Molecular consequence: intron variant.
Genome position (GRCh38, 1-based): chr4:109,764,532, C>T on the plus strand (G>A on the coding strand, the complement: CFI is on the minus strand). VCF-style: chr4-109764532-C-T. GRCh37 (hg19) VCF-style: chr4-110685688-C-T.
Other names: c.482+5G>A (NM_001375282.1, NM_001375280.1, NM_001375281.1 and 5 more transcripts); c.-127-2840G>A (NM_001375284.1).
Identifiers: ClinVar variation 1448173 (VCV001448173.6), dbSNP rs755992770, ClinGen allele CA3042266.